The following is an entry in ClinVar:

ClinVar aggregate classification (germline): Conflicting classifications of pathogenicity. Review status: criteria provided, conflicting classifications (1 of 4 stars). 4 submissions from 4 submitters: Uncertain significance (3); Likely benign (1). Last evaluated 2025-05-18.

Conditions:
Hereditary cancer-predisposing syndrome. Also called: Hereditary neoplastic syndrome; Tumor predisposition; Neoplastic Syndromes, Hereditary; Hereditary Cancer Syndrome. Identifiers: Orphanet 140162, MedGen C0027672, MeSH D009386, MONDO:0015356.
Hereditary breast ovarian cancer syndrome. Also called: Hereditary breast and ovarian cancer; Hereditary breast and/or ovarian cancer syndrome; Hereditary breast and ovarian cancer syndrome; Hereditary breast and ovarian cancer syndrome (HBOC); Breast and ovarian cancer; BRCA1- and BRCA2-Associated Hereditary Breast and Ovarian Cancer. Identifiers: Orphanet 145, MedGen C0677776, MeSH D061325, MONDO:0003582. Disease mechanism: loss of function.

Submissions (4):

Labcorp Genetics (formerly Invitae), Labcorp
Classification: Uncertain significance for Hereditary breast ovarian cancer syndrome. Last evaluated: 2025-05-18. Review status: criteria provided, single submitter. Criteria: Invitae Variant Classification Sherloc (09022015). Collection method: clinical testing. Allele origin: germline.
Comment: This sequence change replaces cysteine, which is neutral and slightly polar, with arginine, which is basic and polar, at codon 801 of the BRCA1 protein (p.Cys801Arg). This variant is not present in population databases (gnomAD no frequency). This missense change has been observed in individual(s) with breast and/or ovarian cancer (PMID: 17922257). This variant is also known as 2460 T>C. ClinVar contains an entry for this variant (Variation ID: 419022). Invitae Evidence Modeling of protein sequence and biophysical properties (such as structural, functional, and spatial information, amino acid conservation, physicochemical variation, residue mobility, and thermodynamic stability) indicates that this missense variant is not expected to disrupt BRCA1 protein function with a negative predictive value of 80%. In summary, the available evidence is currently insufficient to determine the role of this variant in disease. Therefore, it has been classified as a Variant of Uncertain Significance.

University of Washington Department of Laboratory Medicine, University of Washington
Classification: Likely benign for Hereditary cancer-predisposing syndrome. Last evaluated: 2023-03-23. Review status: criteria provided, single submitter. Criteria: Dines et al. (Genet Med. 2020). Collection method: curation. Allele origin: germline.
Comment: Missense variant in a coldspot region where missense variants are very unlikely to be pathogenic (PMID:31911673).

BRCA1 coldspot (exon 11 using historical exon numbering). Reclassification based on statistical prior probability

Ambry Genetics
Classification: Uncertain significance for Hereditary cancer-predisposing syndrome. Last evaluated: 2021-01-12. Review status: criteria provided, single submitter. Criteria: Ambry Variant Classification Scheme 2023. Collection method: clinical testing. Allele origin: germline.
Comment: The p.C801R variant (also known as c.2401T>C), located in coding exon 9 of the BRCA1 gene, results from a T to C substitution at nucleotide position 2401. The cysteine at codon 801 is replaced by arginine, an amino acid with highly dissimilar properties. This amino acid position is not well conserved in available vertebrate species. In addition, this alteration is predicted to be tolerated by in silico analysis. Since supporting evidence is limited at this time, the clinical significance of this alteration remains unclear.

GeneDx
Classification: Uncertain significance. Last evaluated: 2017-03-29. Review status: criteria provided, single submitter. Criteria: GeneDx Variant Classification (06012015). Collection method: clinical testing. Allele origin: germline. Affected: yes.
Comment: This variant is denoted BRCA1 c.2401T>C at the cDNA level, p.Cys801Arg (C801R) at the protein level, and results in the change of a Cysteine to an Arginine (TGT>CGT). Using alternate nomenclature, this variant would be defined as BRCA1 2520T>C. This variant has not, to our knowledge, been published in the literature as pathogenic or benign. BRCA1 Cys801Arg was not observed in large population cohorts (NHLBI Exome Sequencing Project, The 1000 Genomes Consortium 2015, Lek 2016). Since Cysteine and Arginine differ in polarity, charge, size or other properties, this is considered a non-conservative amino acid substitution. BRCA1 Cys801Arg occurs at a position that is not conserved and is located in the DNA-binding domain and a region known to interact with multiple other proteins (Narod 2004, Paul 2004). Protein based in silico analyses are inconsistent regarding the effect this variant may have on protein structure and function and splicing models predict the creation of a cryptic splice donor site, upstream of the natural splice donor site. Based on currently available evidence, it is unclear whether BRCA1 Cys801Arg is a pathogenic or benign variant. We consider it to be a variant of uncertain significance.

Literature cited by the submitters: PubMed 17922257 (cited by Labcorp Genetics (formerly Invitae), Labcorp and Ambry Genetics).

NM_007294.4(BRCA1):c.2401T>C (p.Cys801Arg)

Gene: BRCA1 (BRCA1 DNA repair associated; minus strand). Cytogenetic location: 17q21.31.
Variant type: single nucleotide variant.
Coding change: c.2401T>C on transcript NM_007294.4 (MANE Select); coding-DNA position 2401, T replaced by C.
Protein change: p.Cys801Arg; replaces cysteine 801 with arginine.
Molecular consequence: missense variant. On other transcripts: intron variant (137).
Genome position (GRCh38, 1-based): chr17:43,093,130, A>G on the plus strand (T>C on the coding strand, the complement: BRCA1 is on the minus strand). VCF-style: chr17-43093130-A-G. GRCh37 (hg19) VCF-style: chr17-41245147-A-G.
Other names: c.2188T>C, p.Cys730Arg (NM_001407571.1, NM_001407853.1, NM_001407894.1 and 9 more transcripts); c.2401T>C, p.Cys801Arg (NM_001407581.1, NM_001407582.1, NM_001407583.1 and 30 more transcripts); c.2398T>C, p.Cys800Arg (NM_001407587.1, NM_001407590.1, NM_001407591.1 and 22 more transcripts); c.2392T>C, p.Cys798Arg (NM_001407646.1, NM_001407647.1); c.2278T>C, p.Cys760Arg (NM_001407648.1, NM_001407664.1, NM_001407665.1 and 19 more transcripts); c.2275T>C, p.Cys759Arg (NM_001407649.1, NM_001407670.1, NM_001407671.1 and 11 more transcripts); c.2323T>C, p.Cys775Arg (NM_001407653.1, NM_001407654.1, NM_001407655.1 and 4 more transcripts); c.2320T>C, p.Cys774Arg (NM_001407659.1, NM_001407660.1, NM_001407661.1 and 1 more transcripts); and 41 more; short protein forms C801R, C754R, C689R, C753R, C775R, C731R, C733R, C759R.
Identifiers: ClinVar variation 419022 (VCV000419022.16), dbSNP rs1064793591, ClinGen allele CA10597206.